The following is an entry in ClinVar:

NM_001330691.3(CEP78):c.1760C>T (p.Pro587Leu)

Gene: CEP78 (centrosomal protein 78; plus strand). Cytogenetic location: 9q21.2.
Variant type: single nucleotide variant.
Coding change: c.1760C>T on transcript NM_001330691.3 (MANE Select); coding-DNA position 1760, C replaced by T.
Protein change: p.Pro587Leu; replaces proline 587 with leucine.
Molecular consequence: missense variant.
Genome position (GRCh38, 1-based): chr9:78,265,506, C>T. VCF-style: chr9-78265506-C-T. GRCh37 (hg19) VCF-style: chr9-80880422-C-T.
Other names: c.1763C>T, p.Pro588Leu (NM_001098802.3, NM_001349839.2, NM_001349840.2 and 1 more transcripts); c.1760C>T, p.Pro587Leu (NM_001330693.3, NM_001330694.2, NM_001349838.2); c.1763C>T (NM_001098802.1); short protein forms P588L, P587L.
Identifiers: ClinVar variation 1470398 (VCV001470398.7), dbSNP rs373755138, ClinGen allele CA5095347.
Genomic context (GRCh38, chr9:78,265,506, plus strand): 5'-CTACTGTTAGTAATCCACCTAAAGAAGAAAAGAAGGCGCTTGAAGATGAAAAACCAGAAC[C>T]GAAGCAGAATGCCCTAGGGCAAATGCAAAATATCCAGGTAAATGAATAGAACAGAACTTA-3'
Protein context (NP_001317620.1, residues 577-597): KKALEDEKPE[Pro587Leu]KQNALGQMQN

ClinVar aggregate classification (germline): Uncertain significance. Review status: criteria provided, multiple submitters, no conflicts (2 of 4 stars). 2 submissions from 2 submitters: Uncertain significance (2). Last evaluated 2024-09-16.

Conditions:
Inborn genetic diseases. Identifiers: MedGen C0950123, MeSH D030342.

Allele frequency attached by ClinVar (database versions not stated): gnomAD exomes 0.00002; ExAC 0.00003; gnomAD 0.00008 and 0.00011; TOPMed 0.00009.

Submissions (2):

Labcorp Genetics (formerly Invitae), Labcorp
Classification: Uncertain significance. Last evaluated: 2024-09-16. Review status: criteria provided, single submitter. Criteria: Invitae Variant Classification Sherloc (09022015). Collection method: clinical testing. Allele origin: germline.
Comment: This sequence change replaces proline, which is neutral and non-polar, with leucine, which is neutral and non-polar, at codon 588 of the CEP78 protein (p.Pro588Leu). This variant is present in population databases (rs373755138, gnomAD 0.03%). This variant has not been reported in the literature in individuals affected with CEP78-related conditions. ClinVar contains an entry for this variant (Variation ID: 1470398). Invitae Evidence Modeling of protein sequence and biophysical properties (such as structural, functional, and spatial information, amino acid conservation, physicochemical variation, residue mobility, and thermodynamic stability) indicates that this missense variant is not expected to disrupt CEP78 protein function with a negative predictive value of 80%. In summary, the available evidence is currently insufficient to determine the role of this variant in disease. Therefore, it has been classified as a Variant of Uncertain Significance.

Ambry Genetics
Classification: Uncertain significance for Inborn genetic diseases. Last evaluated: 2024-07-26. Review status: criteria provided, single submitter. Criteria: Ambry Variant Classification Scheme 2023. Collection method: clinical testing. Allele origin: germline.